The following is an entry in ClinVar:

NM_000245.4(MET):c.3155A>C (p.His1052Pro)

Gene: MET (MET proto-oncogene, receptor tyrosine kinase; plus strand). Cytogenetic location: 7q31.2.
Variant type: single nucleotide variant.
Coding change: c.3155A>C on transcript NM_000245.4 (MANE Select); coding-DNA position 3155, A replaced by C.
Protein change: p.His1052Pro; replaces histidine 1052 with proline.
Molecular consequence: missense variant.
Genome position (GRCh38, 1-based): chr7:116,775,007, A>C. VCF-style: chr7-116775007-A-C. GRCh37 (hg19) VCF-style: chr7-116415061-A-C.
Other names: c.3209A>C, p.His1070Pro (NM_001127500.3); c.1865A>C, p.His622Pro (NM_001324402.2); short protein forms H1052P, H622P, H1070P.
Identifiers: ClinVar variation 1728886 (VCV001728886.2), dbSNP rs763398740, ClinGen allele CA368988381.

ClinVar aggregate classification (germline): Uncertain significance (1 of 4 stars; one submission).

Conditions:
Hereditary cancer-predisposing syndrome. Also called: Tumor predisposition; Neoplastic Syndromes, Hereditary; Hereditary Cancer Syndrome; Hereditary neoplastic syndrome. Identifiers: Orphanet 140162, MedGen C0027672, MeSH D009386, MONDO:0015356.

Submission:

Ambry Genetics
Classification: Uncertain significance for Hereditary cancer-predisposing syndrome. Last evaluated: 2022-03-02. Review status: criteria provided, single submitter. Criteria: Ambry Variant Classification Scheme 2023. Collection method: clinical testing. Allele origin: germline.
Comment: The p.H1070P variant (also known as c.3209A>C), located in coding exon 14 of the MET gene, results from an A to C substitution at nucleotide position 3209. The histidine at codon 1070 is replaced by proline, an amino acid with similar properties. This amino acid position is conserved. In addition, this alteration is predicted to be deleterious by in silico analysis. Since supporting evidence is limited at this time, the clinical significance of this alteration remains unclear.